The following is an entry in ClinVar:

ClinVar aggregate classification (germline): Pathogenic (1 of 4 stars; one submission).

Conditions:
Woodhouse-Sakati syndrome. Also called: Hypogonadism, Alopecia, Diabetes Mellitus, Mental Retardation, and Extrapyramidal Syndrome; Hypogonadism, diabetes mellitus, alopecia, mental retardation and electrocardiographic abnormalities; EXTRAPYRAMIDAL DISORDER, PROGRESSIVE, WITH PRIMARY HYPOGONADISM, MENTAL RETARDATION, AND ALOPECIA. Identifiers: Orphanet 3464, MedGen C0342286, MONDO:0009419, OMIM 241080.

Submission:

Labcorp Genetics (formerly Invitae), Labcorp
Classification: Pathogenic for Woodhouse-Sakati syndrome. Last evaluated: 2023-02-24. Review status: criteria provided, single submitter. Criteria: Invitae Variant Classification Sherloc (09022015). Collection method: clinical testing. Allele origin: germline.
Comment: For these reasons, this variant has been classified as Pathogenic. This variant has not been reported in the literature in individuals affected with DCAF17-related conditions. This variant is not present in population databases (gnomAD no frequency). This sequence change creates a premature translational stop signal (p.Phe424Serfs*10) in the DCAF17 gene. It is expected to result in an absent or disrupted protein product. Loss-of-function variants in DCAF17 are known to be pathogenic (PMID: 19026396, 20507343).

Literature cited by the submitters: PubMed 19026396; PubMed 20507343.

NM_025000.4(DCAF17):c.1271del (p.Phe424fs)

Gene: DCAF17 (DDB1 and CUL4 associated factor 17; plus strand). Cytogenetic location: 2q31.1.
Variant type: Deletion.
Coding change: c.1271del on transcript NM_025000.4 (MANE Select); coding-DNA position 1271, one base deleted (T; older notation c.1271delT).
Protein change: p.Phe424fs; shifts the reading frame from phenylalanine 424.
Molecular consequence: frameshift variant. On other transcripts: non-coding transcript variant (1).
Genome position (GRCh38, 1-based): chr2:171,480,042, T deleted; the last of 3 consecutive T bases (chr2:171,480,040-171,480,042); deleting any one gives the same sequence. VCF-style (leftmost placement, unchanged base first): chr2-171480039-CT-C. GRCh37 (hg19) VCF-style: chr2-172336549-CT-C.
Other names: c.1070del, p.Phe357fs (NM_001164821.2); short protein forms F424fs, F357fs.
Identifiers: ClinVar variation 2840402 (VCV002840402.3), dbSNP rs2529807779, ClinGen allele CA2739271638.